The following is an entry in ClinVar:

NM_015999.6(ADIPOR1):c.928T>A (p.Tyr310Asn)

Gene: ADIPOR1 (adiponectin receptor 1; minus strand). Cytogenetic location: 1q32.1.
Variant type: single nucleotide variant.
Coding change: c.928T>A on transcript NM_015999.6 (MANE Select); coding-DNA position 928, T replaced by A.
Protein change: p.Tyr310Asn; replaces tyrosine 310 with asparagine.
Molecular consequence: missense variant.
Genome position (GRCh38, 1-based): chr1:202,942,096, A>T on the plus strand (T>A on the coding strand, the complement: ADIPOR1 is on the minus strand). VCF-style: chr1-202942096-A-T. GRCh37 (hg19) VCF-style: chr1-202911224-A-T.
Other names: c.928T>A, p.Tyr310Asn (NM_001290553.2, NM_001290557.1, NM_001290629.1); short protein forms Y310N.
Identifiers: ClinVar variation 1043288 (VCV001043288.10), dbSNP rs1654112637, ClinGen allele CA344278037.
Genomic context (GRCh38, chr1:202,942,096, plus strand): 5'-ATTTTCCAGGAAAGAAGCGCTCAGGAATTCGAGCAGCATAAAGGCCAGCTCCAGTGATGT[A>T]CATCACAGCCATGAGGAAGAACCAGCCCATCTGGCCCACTGTGGTGGCCTTGACAAAGCC-3'
Protein context (NP_057083.2, residues 300-320): MGWFFLMAVM[Tyr310Asn]ITGAGLYAAR

ClinVar aggregate classification (germline): Uncertain significance (1 of 4 stars; one submission).

Submission:

Labcorp Genetics (formerly Invitae), Labcorp
Classification: Uncertain significance. Last evaluated: 2022-02-04. Review status: criteria provided, single submitter. Criteria: Invitae Variant Classification Sherloc (09022015). Collection method: clinical testing. Allele origin: germline.
Comment: In summary, the available evidence is currently insufficient to determine the role of this variant in disease. Therefore, it has been classified as a Variant of Uncertain Significance. Algorithms developed to predict the effect of missense changes on protein structure and function (SIFT, PolyPhen-2, Align-GVGD) all suggest that this variant is likely to be disruptive. ClinVar contains an entry for this variant (Variation ID: 1043288). This variant has not been reported in the literature in individuals affected with ADIPOR1-related conditions. This variant is not present in population databases (gnomAD no frequency). This sequence change replaces tyrosine, which is neutral and polar, with asparagine, which is neutral and polar, at codon 310 of the ADIPOR1 protein (p.Tyr310Asn).